The following is an entry in ClinVar:

NM_000038.6(APC):c.8264C>T (p.Ser2755Phe)

Gene: APC (APC regulator of Wnt signaling pathway; plus strand). Cytogenetic location: 5q22.2.
Variant type: single nucleotide variant.
Coding change: c.8264C>T on transcript NM_000038.6 (MANE Select); coding-DNA position 8264, C replaced by T.
Protein change: p.Ser2755Phe; replaces serine 2755 with phenylalanine.
Molecular consequence: missense variant. On other transcripts: non-coding transcript variant (2).
Genome position (GRCh38, 1-based): chr5:112,843,858, C>T. VCF-style: chr5-112843858-C-T. GRCh37 (hg19) VCF-style: chr5-112179555-C-T.
Other names: c.8264C>T, p.Ser2755Phe (NM_001127510.3, NM_001354895.2, NM_001407450.1); c.8210C>T, p.Ser2737Phe (NM_001127511.3); c.8318C>T, p.Ser2773Phe (NM_001354896.2, NM_001407447.1, NM_001407448.1 and 1 more transcripts); c.8294C>T, p.Ser2765Phe (NM_001354897.2); c.8189C>T, p.Ser2730Phe (NM_001354898.2); c.8180C>T, p.Ser2727Phe (NM_001354899.2); c.8141C>T, p.Ser2714Phe (NM_001354900.2); c.8087C>T, p.Ser2696Phe (NM_001354901.2, NM_001407453.1); and 11 more; short protein forms S2626F, S2629F, S2654F, S2664F, S2472F, S2672F, S2696F, S2727F.
Identifiers: ClinVar variation 2484086 (VCV002484086.6), dbSNP rs1383526361, ClinGen allele CA16039268.

ClinVar aggregate classification (germline): Uncertain significance. Review status: criteria provided, multiple submitters, no conflicts (2 of 4 stars). 2 submissions from 2 submitters: Uncertain significance (2). Last evaluated 2025-08-14.

Conditions:
Hereditary cancer-predisposing syndrome. Also called: Neoplastic Syndromes, Hereditary; Hereditary neoplastic syndrome; Tumor predisposition; Hereditary Cancer Syndrome. Identifiers: Orphanet 140162, MedGen C0027672, MeSH D009386, MONDO:0015356.
Familial adenomatous polyposis 1 (FAP1). Also called: FAMILIAL ADENOMATOUS POLYPOSIS 1, ATTENUATED; POLYPOSIS, ADENOMATOUS INTESTINAL. Identifiers: MedGen C2713442, MONDO:0021056, OMIM 175100. Disease mechanism: loss of function.

gnomAD v4.1: 1 of 1,614,006 alleles (0.000062%); highest among the groups gnomAD compares: South Asian, 0.0011%; no homozygotes.

Submissions (2):

Ambry Genetics
Classification: Uncertain significance for Hereditary cancer-predisposing syndrome. Last evaluated: 2025-08-14. Review status: criteria provided, single submitter. Criteria: Ambry Variant Classification Scheme 2023. Collection method: clinical testing. Allele origin: germline.
Comment: The p.S2755F variant (also known as c.8264C>T), located in coding exon 15 of the APC gene, results from a C to T substitution at nucleotide position 8264. The serine at codon 2755 is replaced by phenylalanine, an amino acid with highly dissimilar properties. This amino acid position is well conserved in available vertebrate species. In addition, in silico predictors for this gene do not accurately predict pathogenicity. Since supporting evidence is limited at this time, the clinical significance of this alteration remains unclear.

Labcorp Genetics (formerly Invitae), Labcorp
Classification: Uncertain significance for Familial adenomatous polyposis 1. Last evaluated: 2024-02-23. Review status: criteria provided, single submitter. Criteria: Invitae Variant Classification Sherloc (09022015). Collection method: clinical testing. Allele origin: germline.
Comment: This sequence change replaces serine, which is neutral and polar, with phenylalanine, which is neutral and non-polar, at codon 2755 of the APC protein (p.Ser2755Phe). This variant is not present in population databases (gnomAD no frequency). This variant has not been reported in the literature in individuals affected with APC-related conditions. ClinVar contains an entry for this variant (Variation ID: 2484086). Advanced modeling of protein sequence and biophysical properties (such as structural, functional, and spatial information, amino acid conservation, physicochemical variation, residue mobility, and thermodynamic stability) performed at Invitae indicates that this missense variant is not expected to disrupt APC protein function with a negative predictive value of 95%. In summary, the available evidence is currently insufficient to determine the role of this variant in disease. Therefore, it has been classified as a Variant of Uncertain Significance.